The following is an entry in ClinVar:

ClinVar aggregate classification (germline): Pathogenic (1 of 4 stars; one submission).

Conditions:
Cardiovascular phenotype. Identifiers: MedGen CN230736.
Hereditary cancer-predisposing syndrome. Also called: Neoplastic Syndromes, Hereditary; Tumor predisposition; Hereditary Cancer Syndrome; Hereditary neoplastic syndrome. Identifiers: Orphanet 140162, MedGen C0027672, MeSH D009386, MONDO:0015356.

Submission:

Ambry Genetics
Classification: Pathogenic for Cardiovascular phenotype; Hereditary cancer-predisposing syndrome. Last evaluated: 2026-03-22. Review status: criteria provided, single submitter. Criteria: Ambry Variant Classification Scheme 2023. Collection method: clinical testing. Allele origin: germline.
Comment: The c.6930_6940del11 pathogenic mutation, located in coding exon 46 of the NF1 gene, results from a deletion of 11 nucleotides at nucleotide positions 6930 to 6940, causing a translational frameshift with a predicted alternate stop codon (p.S2311Rfs*4). This variant is considered to be rare based on population cohorts in the Genome Aggregation Database (gnomAD). This variant is expected to result in loss of function by premature protein truncation or nonsense-mediated mRNA decay. As such, this variant is interpreted as a disease-causing mutation.

NM_001042492.3(NF1):c.6993_7003del (p.Ser2332fs)

Gene: NF1 (neurofibromin 1; plus strand). Cytogenetic location: 17q11.2.
Variant type: Deletion.
Coding change: c.6993_7003del on transcript NM_001042492.3 (MANE Select); coding-DNA positions 6993 to 7003, 11 bases deleted (TTCAGCAGGTA).
Protein change: p.Ser2332fs; shifts the reading frame from serine 2332.
Molecular consequence: frameshift variant.
Genome position (GRCh38, 1-based): chr17:31,340,576-31,340,586, TTCAGCAGGTA deleted; deleting any 11 consecutive bases within chr17:31,340,573-31,340,586 gives the same sequence; the c. name uses the placement nearest the transcript's 3' end. VCF-style (leftmost placement, unchanged base first): chr17-31340572-TGTATTCAGCAG-T. GRCh37 (hg19) VCF-style: chr17-29667590-TGTATTCAGCAG-T.
Other names: c.6930_6940del, p.Ser2311fs (NM_000267.4); c.6930_6940del11 (NM_000267.3); short protein forms S2311fs, S2332fs.
Identifiers: ClinVar variation 4860877 (VCV004860877.1).